The following is an entry in ClinVar:

ClinVar aggregate classification (germline): Uncertain significance (1 of 4 stars; one submission).

gnomAD v4.1: 4 of 1,614,224 alleles (0.00025%); highest among the groups gnomAD compares: East Asian, 0.0022%; no homozygotes.

Submission:

Women's Health and Genetics/Laboratory Corporation of America, LabCorp
Classification: Uncertain significance. Last evaluated: 2025-07-10. Review status: criteria provided, single submitter. Criteria: LabCorp Variant Classification Summary - May 2015. Collection method: clinical testing. Allele origin: germline.
Comment: Variant summary: SPTBN1 c.5426A>G (p.Lys1809Arg) results in a conservative amino acid change in the encoded protein sequence. Algorithms developed to predict the effect of missense changes on protein structure and function are either unavailable or do not agree on the potential impact of this missense change. The variant allele was found at a frequency of 8e-06 in 251456 control chromosomes. The available data on variant occurrences in the general population are insufficient to allow any conclusion about variant significance. To our knowledge, no occurrence of c.5426A>G in individuals affected with Developmental Delay, Impaired Speech, And Behavioral Abnormalities and no experimental evidence demonstrating its impact on protein function have been reported. No submitters have cited clinical-significance assessments for this variant to ClinVar. Based on the evidence outlined above, the variant was classified as uncertain significance.

NM_003128.3(SPTBN1):c.5426A>G (p.Lys1809Arg)

Gene: SPTBN1 (spectrin beta, non-erythrocytic 1; plus strand). Cytogenetic location: 2p16.2.
Variant type: single nucleotide variant.
Coding change: c.5426A>G on transcript NM_003128.3 (MANE Select); coding-DNA position 5426, A replaced by G.
Protein change: p.Lys1809Arg; replaces lysine 1809 with arginine.
Molecular consequence: missense variant.
Genome position (GRCh38, 1-based): chr2:54,649,838, A>G. VCF-style: chr2-54649838-A-G. GRCh37 (hg19) VCF-style: chr2-54876975-A-G.
Other names: c.5387A>G, p.Lys1796Arg (NM_178313.3); short protein forms K1796R, K1809R.
Identifiers: ClinVar variation 4525984 (VCV004525984.1).